The following is an entry in ClinVar:

ClinVar aggregate classification (germline): Uncertain significance (0 of 4 stars; one submission).

Conditions:
ARID1A-related disorder. Also called: ARID1A-related condition.

Allele frequency attached by ClinVar (database versions not stated): gnomAD 0.00001; TOPMed 0.00001.
gnomAD v4.1: 2 of 1,353,582 alleles (0.00015%); highest among the groups gnomAD compares: African/African-American, 0.0015%; no homozygotes.

Submission:

PreventionGenetics, part of Exact Sciences
Classification: Uncertain significance for ARID1A-related condition. Last evaluated: 2023-10-24. Review status: no assertion criteria provided. Collection method: clinical testing. Allele origin: germline.
Comment: The ARID1A c.457C>T variant is predicted to result in the amino acid substitution p.Pro153Ser. To our knowledge, this variant has not been reported in the literature or in a large population database, indicating this variant is rare. At this time, the clinical significance of this variant is uncertain due to the absence of conclusive functional and genetic evidence.

NM_006015.6(ARID1A):c.457C>T (p.Pro153Ser)

Gene: ARID1A (AT-rich interaction domain 1A; plus strand). Cytogenetic location: 1p36.11.
Variant type: single nucleotide variant.
Coding change: c.457C>T on transcript NM_006015.6 (MANE Select); coding-DNA position 457, C replaced by T.
Protein change: p.Pro153Ser; replaces proline 153 with serine.
Molecular consequence: missense variant.
Genome position (GRCh38, 1-based): chr1:26,696,860, C>T. VCF-style: chr1-26696860-C-T. GRCh37 (hg19) VCF-style: chr1-27023351-C-T.
Other names: c.457C>T, p.Pro153Ser (NM_139135.4); short protein forms P153S.
Identifiers: ClinVar variation 3053592 (VCV003053592.2), dbSNP rs748114497, ClinGen allele CA706590.